The following is an entry in ClinVar:

NM_024675.4(PALB2):c.1988G>T (p.Arg663Leu)

Gene: PALB2 (partner and localizer of BRCA2; minus strand). Cytogenetic location: 16p12.2.
Variant type: single nucleotide variant.
Coding change: c.1988G>T on transcript NM_024675.4 (MANE Select); coding-DNA position 1988, G replaced by T.
Protein change: p.Arg663Leu; replaces arginine 663 with leucine.
Molecular consequence: missense variant.
Genome position (GRCh38, 1-based): chr16:23,630,166, C>A on the plus strand (G>T on the coding strand, the complement: PALB2 is on the minus strand). VCF-style: chr16-23630166-C-A. GRCh37 (hg19) VCF-style: chr16-23641487-C-A.
Other names: short protein forms R663L.
Identifiers: ClinVar variation 530061 (VCV000530061.13), dbSNP rs1462734899, ClinGen allele CA395127230.

ClinVar aggregate classification (germline): Uncertain significance. Review status: criteria provided, multiple submitters, no conflicts (2 of 4 stars). 2 submissions from 2 submitters: Uncertain significance (2). Last evaluated 2025-06-08.

Conditions:
Hereditary cancer-predisposing syndrome. Also called: Hereditary neoplastic syndrome; Neoplastic Syndromes, Hereditary; Hereditary Cancer Syndrome; Tumor predisposition. Identifiers: Orphanet 140162, MedGen C0027672, MeSH D009386, MONDO:0015356.
Familial cancer of breast. Also called: BREAST CANCER, FAMILIAL; Hereditary breast cancer; hereditary breast carcinoma. Identifiers: Orphanet 227535, MedGen C0346153, MONDO:0016419, OMIM 114480. Disease mechanism: loss of function.

Allele frequency attached by ClinVar (database versions not stated): TOPMed below 0.00001.
gnomAD v4.1: 1 of 1,614,142 alleles (0.000062%); highest among the groups gnomAD compares: Non-Finnish European, 0.000085%; no homozygotes.

Submissions (2):

Ambry Genetics
Classification: Uncertain significance for Hereditary cancer-predisposing syndrome. Last evaluated: 2025-06-08. Review status: criteria provided, single submitter. Criteria: Ambry Variant Classification Scheme 2023. Collection method: clinical testing. Allele origin: germline.

Labcorp Genetics (formerly Invitae), Labcorp
Classification: Uncertain significance for Familial cancer of breast. Last evaluated: 2022-04-12. Review status: criteria provided, single submitter. Criteria: Invitae Variant Classification Sherloc (09022015). Collection method: clinical testing. Allele origin: germline.
Comment: This sequence change replaces arginine, which is basic and polar, with leucine, which is neutral and non-polar, at codon 663 of the PALB2 protein (p.Arg663Leu). This variant is not present in population databases (gnomAD no frequency). This variant has not been reported in the literature in individuals affected with PALB2-related conditions. ClinVar contains an entry for this variant (Variation ID: 530061). Algorithms developed to predict the effect of missense changes on protein structure and function (SIFT, PolyPhen-2, Align-GVGD) all suggest that this variant is likely to be tolerated. In summary, the available evidence is currently insufficient to determine the role of this variant in disease. Therefore, it has been classified as a Variant of Uncertain Significance.